The following is an entry in ClinVar:

NM_001394062.1(MACF1):c.16503T>G (p.His5501Gln)

Gene: MACF1 (microtubule actin crosslinking factor 1; plus strand). Cytogenetic location: 1p34.3.
Variant type: single nucleotide variant.
Coding change: c.16503T>G on transcript NM_001394062.1 (MANE Select); coding-DNA position 16503, T replaced by G.
Protein change: p.His5501Gln; replaces histidine 5501 with glutamine.
Molecular consequence: missense variant. On other transcripts: intron variant (1).
Genome position (GRCh38, 1-based): chr1:39,427,987, T>G. VCF-style: chr1-39427987-T-G. GRCh37 (hg19) VCF-style: chr1-39893659-T-G.
Other names: c.10317T>G, p.His3439Gln (NM_012090.5); c.4872+373T>G (NM_001397473.1); short protein forms H3439Q, H5501Q.
Identifiers: ClinVar variation 4805951 (VCV004805951.1).
Genomic context (GRCh38, chr1:39,427,987, plus strand): 5'-TTCTGTTATTCATTTTTTCCATCTGGATTTCCAGGCTCTGGAAGAAGACATAGAAAACCA[T>G]GCAACAGATGTGCACCAGGCAGTCAAAATTGGGCAGTCCCTCTCCTCCCTGACATCTCCT-3'
Protein context (NP_001380991.1, residues 5491-5511): HKALEEDIEN[His5501Gln]ATDVHQAVKI

ClinVar aggregate classification (germline): Uncertain significance (1 of 4 stars; one submission).

gnomAD v4.1: 19 of 1,613,646 alleles (0.0012%); highest among the groups gnomAD compares: Non-Finnish European, 0.0014%; no homozygotes.

Submission:

Labcorp Genetics (formerly Invitae), Labcorp
Classification: Uncertain significance. Last evaluated: 2025-10-31. Review status: criteria provided, single submitter. Criteria: Invitae Variant Classification Sherloc (09022015). Collection method: clinical testing. Allele origin: germline.
Comment: This sequence change replaces histidine, which is basic and polar, with glutamine, which is neutral and polar, at codon 3439 of the MACF1 protein (p.His3439Gln). This variant is present in population databases (rs777681636, gnomAD 0.005%). This variant has not been reported in the literature in individuals affected with MACF1-related conditions. An algorithm developed to predict the effect of missense changes on protein structure and function (PolyPhen-2) suggests that this variant is likely to be tolerated. In summary, the available evidence is currently insufficient to determine the role of this variant in disease. Therefore, it has been classified as a Variant of Uncertain Significance.